The following is an entry in ClinVar:

NM_004260.4(RECQL4):c.3091A>G (p.Ser1031Gly)

Gene: RECQL4 (RecQ like helicase 4; minus strand). Cytogenetic location: 8q24.3.
Variant type: single nucleotide variant.
Coding change: c.3091A>G on transcript NM_004260.4 (MANE Select); coding-DNA position 3091, A replaced by G.
Protein change: p.Ser1031Gly; replaces serine 1031 with glycine.
Molecular consequence: missense variant.
Genome position (GRCh38, 1-based): chr8:144,512,289, T>C on the plus strand (A>G on the coding strand, the complement: RECQL4 is on the minus strand). VCF-style: chr8-144512289-T-C. GRCh37 (hg19) VCF-style: chr8-145737672-T-C.
Other names: short protein forms S1031G.
Identifiers: ClinVar variation 1409095 (VCV001409095.6), dbSNP rs2130660092, ClinGen allele CA372670717.

ClinVar aggregate classification (germline): Uncertain significance (1 of 4 stars; one submission).

Conditions:
Baller-Gerold syndrome (BGS). Also called: CRANIOSYNOSTOSIS WITH RADIAL DEFECTS. Identifiers: Orphanet 1225, MedGen C0265308, MONDO:0009039, OMIM 218600.

Submission:

Labcorp Genetics (formerly Invitae), Labcorp
Classification: Uncertain significance for Baller-Gerold syndrome. Last evaluated: 2022-02-20. Review status: criteria provided, single submitter. Criteria: Invitae Variant Classification Sherloc (09022015). Collection method: clinical testing. Allele origin: germline.
Comment: This variant is not present in population databases (gnomAD no frequency). This sequence change replaces serine with glycine at codon 1031 of the RECQL4 protein (p.Ser1031Gly). The serine residue is moderately conserved and there is a small physicochemical difference between serine and glycine. This variant has not been reported in the literature in individuals affected with RECQL4-related conditions. In summary, the available evidence is currently insufficient to determine the role of this variant in disease. Therefore, it has been classified as a Variant of Uncertain Significance.